The following is an entry in ClinVar:

NM_001204.7(BMPR2):c.2042C>G (p.Ser681Cys)

Gene: BMPR2 (bone morphogenetic protein receptor type 2; plus strand). Cytogenetic location: 2q33.2.
Variant type: single nucleotide variant.
Coding change: c.2042C>G on transcript NM_001204.7 (MANE Select); coding-DNA position 2042, C replaced by G.
Protein change: p.Ser681Cys; replaces serine 681 with cysteine.
Molecular consequence: missense variant.
Genome position (GRCh38, 1-based): chr2:202,555,707, C>G. VCF-style: chr2-202555707-C-G. GRCh37 (hg19) VCF-style: chr2-203420430-C-G.
Other names: short protein forms S681C.
Identifiers: ClinVar variation 2574409 (VCV002574409.1), dbSNP rs2468742797, ClinGen allele CA350347162.

ClinVar aggregate classification (germline): Uncertain significance (1 of 4 stars; one submission).

Submission:

GeneDx
Classification: Uncertain significance. Last evaluated: 2023-01-25. Review status: criteria provided, single submitter. Criteria: GeneDx Variant Classification Process June 2021. Collection method: clinical testing. Allele origin: germline. Affected: yes.
Comment: Not observed at significant frequency in large population cohorts (gnomAD); In silico analysis supports that this missense variant does not alter protein structure/function; Has not been previously published as pathogenic or benign to our knowledge